The following is an entry in ClinVar:

ClinVar aggregate classification (germline): Uncertain significance (1 of 4 stars; one submission).

Submission:

Labcorp Genetics (formerly Invitae), Labcorp
Classification: Uncertain significance. Last evaluated: 2022-05-19. Review status: criteria provided, single submitter. Criteria: Invitae Variant Classification Sherloc (09022015). Collection method: clinical testing. Allele origin: germline.
Comment: This sequence change replaces glycine, which is neutral and non-polar, with alanine, which is neutral and non-polar, at codon 389 of the MSH3 protein (p.Gly389Ala). This variant is not present in population databases (gnomAD no frequency). This variant has not been reported in the literature in individuals affected with MSH3-related conditions. Algorithms developed to predict the effect of missense changes on protein structure and function are either unavailable or do not agree on the potential impact of this missense change (SIFT: "Tolerated"; PolyPhen-2: "Possibly Damaging"; Align-GVGD: "Class C0"). In summary, the available evidence is currently insufficient to determine the role of this variant in disease. Therefore, it has been classified as a Variant of Uncertain Significance.

NM_002439.5(MSH3):c.1166G>C (p.Gly389Ala)

Gene: MSH3 (mutS homolog 3; plus strand). Cytogenetic location: 5q14.1.
Variant type: single nucleotide variant.
Coding change: c.1166G>C on transcript NM_002439.5 (MANE Select); coding-DNA position 1166, G replaced by C.
Protein change: p.Gly389Ala; replaces glycine 389 with alanine.
Molecular consequence: missense variant.
Genome position (GRCh38, 1-based): chr5:80,675,121, G>C. VCF-style: chr5-80675121-G-C. GRCh37 (hg19) VCF-style: chr5-79970940-G-C.
Other names: short protein forms G389A.
Identifiers: ClinVar variation 1996524 (VCV001996524.4), dbSNP rs1749812234, ClinGen allele CA360268402.